The following is an entry in ClinVar:

ClinVar aggregate classification (germline): Likely pathogenic (1 of 4 stars; one submission).

Conditions:
Catecholaminergic polymorphic ventricular tachycardia 1. Also called: VENTRICULAR TACHYCARDIA, CATECHOLAMINERGIC POLYMORPHIC, 1, WITH OR WITHOUT ATRIAL DYSFUNCTION AND/OR DILATED CARDIOMYOPATHY; VENTRICULAR TACHYCARDIA, STRESS-INDUCED POLYMORPHIC 1; RYR2-Related Catecholaminergic Polymorphic Ventricular Tachycardia. Identifiers: Orphanet 3286, MedGen C1631597, MONDO:0011484, OMIM 604772.

Submission:

Labcorp Genetics (formerly Invitae), Labcorp
Classification: Likely pathogenic for Catecholaminergic polymorphic ventricular tachycardia 1. Last evaluated: 2024-04-17. Review status: criteria provided, single submitter. Criteria: Invitae Variant Classification Sherloc (09022015). Collection method: clinical testing. Allele origin: germline.
Comment: This sequence change replaces aspartic acid, which is acidic and polar, with histidine, which is basic and polar, at codon 2300 of the RYR2 protein (p.Asp2300His). This variant is not present in population databases (gnomAD no frequency). This variant has not been reported in the literature in individuals affected with RYR2-related conditions. Advanced modeling of protein sequence and biophysical properties (such as structural, functional, and spatial information, amino acid conservation, physicochemical variation, residue mobility, and thermodynamic stability) performed at Invitae indicates that this missense variant is expected to disrupt RYR2 protein function with a positive predictive value of 95%. This variant disrupts the p.Asp2300 amino acid residue in RYR2. Other variant(s) that disrupt this residue have been determined to be pathogenic (Invitae). This suggests that this residue is clinically significant, and that variants that disrupt this residue are likely to be disease-causing. In summary, the currently available evidence indicates that the variant is pathogenic, but additional data are needed to prove that conclusively. Therefore, this variant has been classified as Likely Pathogenic.

NM_001035.3(RYR2):c.6898G>C (p.Asp2300His)

Gene: RYR2 (ryanodine receptor 2; plus strand). Cytogenetic location: 1q43.
Variant type: single nucleotide variant.
Coding change: c.6898G>C on transcript NM_001035.3 (MANE Select); coding-DNA position 6898, G replaced by C.
Protein change: p.Asp2300His; replaces aspartic acid 2300 with histidine.
Molecular consequence: missense variant.
Genome position (GRCh38, 1-based): chr1:237,638,462, G>C. VCF-style: chr1-237638462-G-C. GRCh37 (hg19) VCF-style: chr1-237801762-G-C.
Other names: short protein forms D2300H.
Identifiers: ClinVar variation 2840453 (VCV002840453.3), dbSNP rs2546959528, ClinGen allele CA345395647.